The following is an entry in ClinVar:

ClinVar aggregate classification (germline): Uncertain significance (1 of 4 stars; one submission).

Conditions:
Inborn genetic diseases. Identifiers: MedGen C0950123, MeSH D030342.

Submission:

Ambry Genetics
Classification: Uncertain significance for Inborn genetic diseases. Last evaluated: 2026-08-05. Review status: criteria provided, single submitter. Criteria: Ambry Variant Classification Scheme 2023. Collection method: clinical testing. Allele origin: germline.
Comment: The p.V412G variant (also known as c.1235T>G), located in coding exon 12 of the DDX41 gene, results from a T to G substitution at nucleotide position 1235. The valine at codon 412 is replaced by glycine, an amino acid with dissimilar properties. This amino acid position is highly conserved in available vertebrate species. In addition, this alteration is predicted to be deleterious by in silico analysis. Based on the available evidence, the clinical significance of this variant remains unclear.

NM_016222.4(DDX41):c.1235T>G (p.Val412Gly)

Gene: DDX41 (DEAD-box helicase 41; minus strand). Cytogenetic location: 5q35.3.
Variant type: single nucleotide variant.
Coding change: c.1235T>G on transcript NM_016222.4 (MANE Select); coding-DNA position 1235, T replaced by G.
Protein change: p.Val412Gly; replaces valine 412 with glycine.
Molecular consequence: missense variant.
Genome position (GRCh38, 1-based): chr5:177,513,078, A>C on the plus strand (T>G on the coding strand, the complement: DDX41 is on the minus strand). VCF-style: chr5-177513078-A-C. GRCh37 (hg19) VCF-style: chr5-176940079-A-C.
Other names: c.857T>G, p.Val286Gly (NM_001321732.2, NM_001321830.2); short protein forms V286G, V412G.
Identifiers: ClinVar variation 5035158 (VCV005035158.1).